The following is an entry in ClinVar:

ClinVar aggregate classification (germline): Likely benign. Review status: criteria provided, multiple submitters, no conflicts (2 of 4 stars). 6 submissions from 6 submitters: Likely benign (6). Last evaluated 2025-10-14.

Conditions:
RET-related disorder. Also called: RET-related condition; RET-related disease; RET-related disorders.
Hereditary cancer-predisposing syndrome. Also called: Neoplastic Syndromes, Hereditary; Hereditary Cancer Syndrome; Tumor predisposition; Hereditary neoplastic syndrome. Identifiers: Orphanet 140162, MedGen C0027672, MeSH D009386, MONDO:0015356.
Multiple endocrine neoplasia, type 2 (MEN2). Identifiers: Orphanet 653, MedGen C4048306, MONDO:0019003. Disease mechanism: gain of function.

Allele frequency attached by ClinVar (database versions not stated): gnomAD exomes below 0.00001 and 0.00001; ExAC 0.00001.
gnomAD v4.1: 6 of 1,613,854 alleles (0.00037%); highest among the groups gnomAD compares: Admixed American, 0.0017%; no homozygotes.

Submissions (6):

Labcorp Genetics (formerly Invitae), Labcorp
Classification: Likely benign for Multiple endocrine neoplasia, type 2. Last evaluated: 2025-10-14. Review status: criteria provided, single submitter. Criteria: Invitae Variant Classification Sherloc (09022015). Collection method: clinical testing. Allele origin: germline.

PreventionGenetics, part of Exact Sciences
Classification: Likely benign for RET-related condition. Last evaluated: 2025-07-19. Review status: criteria provided, single submitter. Criteria: ACMG Guidelines, 2015. Collection method: clinical testing. Allele origin: germline.
Comment: This variant is classified as likely benign based on ACMG/AMP sequence variant interpretation guidelines (Richards et al. 2015 PMID: 25741868, with internal and published modifications).

Ambry Genetics
Classification: Likely benign for Hereditary cancer-predisposing syndrome. Last evaluated: 2024-02-25. Review status: criteria provided, single submitter. Criteria: Ambry Variant Classification Scheme 2023. Collection method: clinical testing. Allele origin: germline.

All of Us Research Program, National Institutes of Health
Classification: Likely benign for Multiple endocrine neoplasia, type 2. Last evaluated: 2023-10-27. Review status: criteria provided, single submitter. Criteria: ACMG Guidelines, 2015. Collection method: clinical testing. Allele origin: germline. Inheritance: Autosomal dominant inheritance. Observed: 4 variant alleles, 4 heterozygotes.
Comment: This study involves interpretation of variants in research participants for the purpose of population health screening. Participant phenotype was not available at the time of variant classification. Additional details can be found in publication PMID: 35346344, PMCID: PMC8962531

Color Diagnostics, LLC DBA Color Health
Classification: Likely benign for Multiple endocrine neoplasia, type 2. Last evaluated: 2022-11-06. Review status: criteria provided, single submitter. Criteria: ACMG Guidelines, 2015. Collection method: clinical testing. Allele origin: germline.

Sema4
Classification: Likely benign for Hereditary cancer-predisposing syndrome. Last evaluated: 2021-08-09. Review status: criteria provided, single submitter. Criteria: Sema4 Curation Guidelines. Collection method: curation. Allele origin: germline.

NM_020975.6(RET):c.1161C>T (p.Gly387=)

Gene: RET (ret proto-oncogene; plus strand). Cytogenetic location: 10q11.21.
Variant type: single nucleotide variant.
Coding change: c.1161C>T on transcript NM_020975.6 (MANE Select); coding-DNA position 1161, C replaced by T.
Protein change: p.Gly387=; no amino-acid change (glycine 387 retained).
Molecular consequence: synonymous variant. On other transcripts: intron variant (18).
Genome position (GRCh38, 1-based): chr10:43,109,128, C>T. VCF-style: chr10-43109128-C-T. GRCh37 (hg19) VCF-style: chr10-43604576-C-T.
Other names: c.1161C>T, p.Gly387= (NM_000323.2, NM_001406743.1, NM_001406744.1 and 6 more transcripts); c.399C>T, p.Gly133= (NM_001355216.2); c.1032C>T, p.Gly344= (NM_001406761.1, NM_001406762.1, NM_001406764.1 and 1 more transcripts); c.873C>T, p.Gly291= (NM_001406766.1, NM_001406767.1, NM_001406770.1); c.723C>T, p.Gly241= (NM_001406771.1, NM_001406773.1); c.435C>T, p.Gly145= (NM_001406775.1, NM_001406776.1, NM_001406777.1 and 1 more transcripts); c.171C>T, p.Gly57= (NM_001406784.1); c.868-2079C>T (NM_001406772.1, NM_001406769.1); and 5 more.
Identifiers: ClinVar variation 477305 (VCV000477305.17), dbSNP rs763967472, ClinGen allele CA031951.